The following is an entry in ClinVar:

NM_024675.4(PALB2):c.25dup (p.Leu9fs)

Gene: PALB2 (partner and localizer of BRCA2; minus strand). Cytogenetic location: 16p12.2.
Variant type: Duplication.
Coding change: c.25dup on transcript NM_024675.4 (MANE Select); coding-DNA position 25, one base duplicated (C; older notation c.25dupC).
Protein change: p.Leu9fs; shifts the reading frame from leucine 9.
Molecular consequence: frameshift variant. On other transcripts: 5 prime UTR variant (10).
Genome position (GRCh38, 1-based): chr16:23,641,133, G duplicated on the plus strand (C on the coding strand, the reverse complement: PALB2 is on the minus strand); the first of 4 consecutive G bases (chr16:23,641,133-23,641,136); duplicating any one gives the same sequence. VCF-style (leftmost placement, unchanged base first): chr16-23641132-A-AG. GRCh37 (hg19) VCF-style: chr16-23652453-A-AG.
Other names: c.25dup, p.Leu9fs (NM_001407298.1, NM_001407299.1, NM_001407300.1 and 5 more transcripts); c.-1719dup (NM_001407304.1, NM_001407310.1); c.-995dup (NM_001407305.1, NM_001407307.1, NM_001407309.1 and 1 more transcripts); c.-844dup (NM_001407306.1, NM_001407308.1); c.-128dup (NM_001407312.1, NM_001407313.1); short protein forms L9fs.
Identifiers: ClinVar variation 5042657 (VCV005042657.1).
Genomic context (GRCh38, chr16:23,641,132, plus strand): 5'-TCAGAGTCCTGCGTCCGCCCTTCCCGCACCCCCGGCACCTTTTCCTTCTCCTCACAGCTG[A>AG]GGGGCTTCCCGGGAGGCTCGTCCATCGGGCAGGCGACAGAACGAAAAGAGCAGCCGTCGC-3'

ClinVar aggregate classification (germline): Pathogenic (1 of 4 stars; one submission).

Conditions:
Breast-ovarian cancer, familial, susceptibility to, 5 (BROVCA5). Identifiers: MedGen C5830615, MONDO:0957530, OMIM 620442.

Submission:

Dasa
Classification: Pathogenic for Breast-ovarian cancer, familial, susceptibility to, 5. Review status: criteria provided, single submitter. Criteria: DASA Assertion Criteria. Collection method: clinical testing. Allele origin: germline.
Comment: NM_024675.4(PALB2):c.25dup (p.Leu9Profs*4) is a frameshift variant in PALB2 predicted to alter the reading frame and introduce a premature termination codon and is predicted to result in an absent or altered protein product. Loss of function is an established disease mechanism for PALB2-associated disorders. The affected residue or protein region has prior evidence supporting clinical relevance. Also, this variant is absent from population databases. Based on the currently available evidence, this variant is classified as pathogenic.